The following is an entry in ClinVar:

NM_001330260.2(SCN8A):c.885T>C (p.Asn295=)

Gene: SCN8A (sodium voltage-gated channel alpha subunit 8; plus strand). Cytogenetic location: 12q13.13.
Variant type: single nucleotide variant.
Coding change: c.885T>C on transcript NM_001330260.2 (MANE Select); coding-DNA position 885, T replaced by C.
Protein change: p.Asn295=; no amino-acid change (asparagine 295 retained).
Molecular consequence: synonymous variant.
Genome position (GRCh38, 1-based): chr12:51,699,748, T>C. VCF-style: chr12-51699748-T-C. GRCh37 (hg19) VCF-style: chr12-52093532-T-C.
Other names: c.885T>C (NM_014191.3); c.885T>C, p.Asn295= (NM_001177984.3, NM_001369788.1, NM_014191.4).
Identifiers: ClinVar variation 1596490 (VCV001596490.11), dbSNP rs1386653667, ClinGen allele CA480025965.

ClinVar aggregate classification (germline): Likely benign. Review status: criteria provided, single submitter (1 of 4 stars). 2 submissions from 2 submitters: Likely benign (1). 1 of the submissions does not count toward it. Last evaluated 2025-11-24.

Conditions:
Early-infantile DEE. Also called: Ohtahara syndrome; Early infantile epileptic encephalopathy with suppression bursts; Early infantile epileptic encephalopathy. Identifiers: Orphanet 1934, MedGen C0393706, MONDO:0800491.
SCN8A-related disorder.

Allele frequency attached by ClinVar (database versions not stated): gnomAD exomes below 0.00001 and 0.00001.
gnomAD v4.1: 6 of 1,613,850 alleles (0.00037%); highest among the groups gnomAD compares: Non-Finnish European, 0.00051%; no homozygotes.

Submissions (2):

Labcorp Genetics (formerly Invitae), Labcorp
Classification: Likely benign for Early-infantile DEE. Last evaluated: 2025-11-24. Review status: criteria provided, single submitter. Criteria: Invitae Variant Classification Sherloc (09022015). Collection method: clinical testing. Allele origin: germline.

PreventionGenetics, part of Exact Sciences
Classification: Likely benign for SCN8A-related condition. Last evaluated: 2023-02-08. Review status: no assertion criteria provided. Collection method: clinical testing. Allele origin: germline. Not counted in ClinVar's aggregate classification.
Comment: This variant is classified as likely benign based on ACMG/AMP sequence variant interpretation guidelines (Richards et al. 2015 PMID: 25741868, with internal and published modifications).